The following is an entry in ClinVar:

ClinVar aggregate classification (germline): Uncertain significance. Review status: criteria provided, multiple submitters, no conflicts (2 of 4 stars). 2 submissions from 2 submitters: Uncertain significance (2). Last evaluated 2026-03-28.

Submissions (2):

GeneDx
Classification: Uncertain significance. Last evaluated: 2026-03-28. Review status: criteria provided, single submitter. Criteria: GeneDx Variant Classification Process June 2021. Collection method: clinical testing. Allele origin: germline.
Comment: Not observed at significant frequency in large population cohorts (gnomAD); In-frame deletion of 6 amino acid(s) in a non-repeat region; In silico analysis suggests that this variant does not alter protein structure/function; Has not been previously published as pathogenic or benign to our knowledge

Labcorp Genetics (formerly Invitae), Labcorp
Classification: Uncertain significance. Last evaluated: 2022-08-21. Review status: criteria provided, single submitter. Criteria: Invitae Variant Classification Sherloc (09022015). Collection method: clinical testing. Allele origin: germline.
Comment: In summary, the available evidence is currently insufficient to determine the role of this variant in disease. Therefore, it has been classified as a Variant of Uncertain Significance. Experimental studies and prediction algorithms are not available or were not evaluated, and the functional significance of this variant is currently unknown. This variant has not been reported in the literature in individuals affected with SON-related conditions. This variant is not present in population databases (gnomAD no frequency). This variant, c.1355_1372del, results in the deletion of 6 amino acid(s) of the SON protein (p.Glu452_Pro457del), but otherwise preserves the integrity of the reading frame.

NM_138927.4(SON):c.1355_1372del (p.Glu452_Pro457del)

Gene: SON (SON DNA and RNA binding protein; plus strand). Cytogenetic location: 21q22.11.
Variant type: Deletion.
Coding change: c.1355_1372del on transcript NM_138927.4 (MANE Select); coding-DNA positions 1355 to 1372, 18 bases deleted (AATTGCCAGGGCTTCCAG).
Protein change: p.Glu452_Pro457del.
Molecular consequence: inframe deletion. On other transcripts: inframe indel (3), non-coding transcript variant (1), intron variant (1).
Genome position (GRCh38, 1-based): chr21:33,550,586-33,550,603, AATTGCCAGGGCTTCCAG deleted; deleting any 18 consecutive bases within chr21:33,550,585-33,550,603 gives the same sequence; the c. name uses the placement nearest the transcript's 3' end. VCF-style (leftmost placement, unchanged base first): chr21-33550584-GGAATTGCCAGGGCTTCCA-G. GRCh37 (hg19) VCF-style: chr21-34922890-GGAATTGCCAGGGCTTCCA-G.
Other names: c.1355_1372del, p.Glu452_Pro457del (NM_001291411.2, NM_032195.3); c.1355_1372del18, p.Glu452_Pro457del (NM_001412133.1, NM_058183.2, NM_138926.1); c.244+4207_244+4224del (NM_001291412.3); c.1355_1372del (NM_138927.2).
Identifiers: ClinVar variation 1906525 (VCV001906525.6), dbSNP rs2085748908, ClinGen allele CA1021949714.